The following is an entry in ClinVar:

ClinVar aggregate classification (germline): Uncertain significance. Review status: criteria provided, multiple submitters, no conflicts (2 of 4 stars). 7 submissions from 7 submitters: Uncertain significance (7). Last evaluated 2026-06-12.

Conditions:
Interstitial lung disease due to ABCA3 deficiency. Also called: PULMONARY ALVEOLAR PROTEINOSIS, CONGENITAL, 3. Identifiers: Orphanet 440402, MedGen C1970456, MONDO:0012582, OMIM 610921.
Hereditary pulmonary alveolar proteinosis. Also called: Pulmonary surfactant metabolism dysfunction. Identifiers: Orphanet 264675, MedGen C3711368, MONDO:0012580.

Allele frequency attached by ClinVar (database versions not stated): TOPMed 0.00032; gnomAD exomes 0.00026 and 0.00038; ESP Exome Variant Server 0.00054; ExAC 0.00022; gnomAD 0.00029.
gnomAD v4.1: 592 of 1,612,876 alleles (0.037%); highest among the groups gnomAD compares: Non-Finnish European, 0.043%; no homozygotes.

Submissions (7):

GeneDx
Classification: Uncertain significance. Last evaluated: 2026-06-12. Review status: criteria provided, single submitter. Criteria: GeneDx Variant Classification Process June 2021. Collection method: clinical testing. Allele origin: germline.
Comment: Identified in twins with lung disease, who also harbored two additional variants in the ABCA3 gene (PMID: 24871971); In silico analysis supports that this missense variant has a deleterious effect on protein structure/function; This variant is associated with the following publications: (PMID: 27352740, 23166334, 34638622, 24871971)

Women's Health and Genetics/Laboratory Corporation of America, LabCorp
Classification: Uncertain significance. Last evaluated: 2025-09-29. Review status: criteria provided, single submitter. Criteria: LabCorp Variant Classification Summary - May 2015. Collection method: clinical testing. Allele origin: germline.
Comment: Variant summary: ABCA3 c.2078C>T (p.Ser693Leu) results in a non-conservative amino acid change located in the ABC transporter-like, ATP-binding domain (IPR003439) of the encoded protein sequence. Algorithms developed to predict the effect of missense changes on protein structure and function all suggest that this variant is likely to be disruptive. The variant allele was found at a frequency of 0.00026 in 250864 control chromosomes (gnomAD). This frequency is not significantly higher than estimated for disease-causing variants in ABCA3, allowing no conclusion about variant significance. c.2078C>T has been observed in individuals affected with Neonatal respiratory distress / interstitial lung disease without strong evidence of causality (e.g., Wambach_2014, Li_2023). These reports do not provide unequivocal conclusions about association of the variant with Pulmonary surfactant metabolism dysfunction. To our knowledge, no experimental evidence demonstrating an impact on protein function has been reported. The following publications have been ascertained in the context of this evaluation (PMID: 24871971, 36808083). ClinVar contains an entry for this variant (Variation ID: 885896). Based on the evidence outlined above, the variant was classified as uncertain significance.

Labcorp Genetics (formerly Invitae), Labcorp
Classification: Uncertain significance. Last evaluated: 2024-09-06. Review status: criteria provided, single submitter. Criteria: Invitae Variant Classification Sherloc (09022015). Collection method: clinical testing. Allele origin: germline.
Comment: This sequence change replaces serine, which is neutral and polar, with leucine, which is neutral and non-polar, at codon 693 of the ABCA3 protein (p.Ser693Leu). This variant is present in population databases (rs200835546, gnomAD 0.1%). This missense change has been observed in individual(s) with clinical features of autosomal recessive ABCA3-related conditions (PMID: 24871971). ClinVar contains an entry for this variant (Variation ID: 885896). Invitae Evidence Modeling of protein sequence and biophysical properties (such as structural, functional, and spatial information, amino acid conservation, physicochemical variation, residue mobility, and thermodynamic stability) indicates that this missense variant is expected to disrupt ABCA3 protein function with a positive predictive value of 80%. In summary, the available evidence is currently insufficient to determine the role of this variant in disease. Therefore, it has been classified as a Variant of Uncertain Significance.

Blueprint Genetics
Classification: Uncertain significance. Last evaluated: 2023-10-27. Review status: criteria provided, single submitter. Criteria: ACMG Guidelines, 2015. Collection method: clinical testing. Allele origin: germline.

Fulgent Genetics
Classification: Uncertain significance for Interstitial lung disease due to ABCA3 deficiency. Last evaluated: 2022-02-24. Review status: criteria provided, single submitter. Criteria: ACMG Guidelines, 2015. Collection method: clinical testing. Allele origin: unknown.

Ambry Genetics
Classification: Uncertain significance for Hereditary pulmonary alveolar proteinosis. Last evaluated: 2019-02-19. Review status: criteria provided, single submitter. Criteria: Ambry Variant Classification Scheme 2023. Collection method: clinical testing. Allele origin: germline.
Comment: The p.S693L variant (also known as c.2078C>T), located in coding exon 14 of the ABCA3 gene, results from a C to T substitution at nucleotide position 2078. The serine at codon 693 is replaced by leucine, an amino acid with dissimilar properties. In a population-based cohort from Missouri, this variant was identified in 1/871 infants of European descent (Wambach JA et al. Pediatrics, 2012 Dec;130:e1575-82). This amino acid position is well conserved in available vertebrate species. In addition, this alteration is predicted to be deleterious by in silico analysis. Based on available evidence to date, the clinical significance of this alteration remains unclear.

Illumina Laboratory Services, Illumina
Classification: Uncertain significance for Interstitial lung disease due to ABCA3 deficiency. Last evaluated: 2017-07-22. Review status: criteria provided, single submitter. Criteria: ICSL Variant Classification Criteria 13 December 2019. Collection method: clinical testing. Allele origin: germline.
Comment: This variant was observed as part of a predisposition screen in an ostensibly healthy population. A literature search was performed for the gene, cDNA change, and amino acid change (where applicable). Publications were found based on this search. However, the evidence from the literature, in combination with allele frequency data from public databases where available, was not sufficient to rule this variant in or out of causing disease. Therefore, this variant is classified as a variant of unknown significance.

Literature cited by the submitters: PubMed 24871971 (cited by 4 submitters); PubMed 36808083 (cited by Women's Health and Genetics/Laboratory Corporation of America, LabCorp); PubMed 23166334 (cited by Ambry Genetics and Illumina Laboratory Services, Illumina).

NM_001089.3(ABCA3):c.2078C>T (p.Ser693Leu)

Gene: ABCA3 (ATP binding cassette subfamily A member 3; minus strand). Cytogenetic location: 16p13.3.
Variant type: single nucleotide variant.
Coding change: c.2078C>T on transcript NM_001089.3 (MANE Select); coding-DNA position 2078, C replaced by T.
Protein change: p.Ser693Leu; replaces serine 693 with leucine.
Molecular consequence: missense variant.
Genome position (GRCh38, 1-based): chr16:2,297,514, G>A on the plus strand (C>T on the coding strand, the complement: ABCA3 is on the minus strand). VCF-style: chr16-2297514-G-A. GRCh37 (hg19) VCF-style: chr16-2347515-G-A.
Other names: short protein forms S693L.
Identifiers: ClinVar variation 885896 (VCV000885896.14), dbSNP rs200835546, ClinGen allele CA7840955.